The following is an entry in ClinVar:

NM_000051.4(ATM):c.3154-19C>T

Gene: ATM (ATM serine/threonine kinase; plus strand). Cytogenetic location: 11q22.3.
Variant type: single nucleotide variant.
Coding change: c.3154-19C>T on transcript NM_000051.4 (MANE Select); 19 bases into the intron before coding-DNA position 3154, C replaced by T.
Molecular consequence: intron variant.
Genome position (GRCh38, 1-based): chr11:108,272,703, C>T. VCF-style: chr11-108272703-C-T. GRCh37 (hg19) VCF-style: chr11-108143430-C-T.
Other names: c.3154-19C>T (NM_001351834.2).
Identifiers: ClinVar variation 2047384 (VCV002047384.4), dbSNP rs2135569074, ClinGen allele CA2580083316.
Genomic context (GRCh38, chr11:108,272,703, plus strand): 5'-GAAAATTTTAAAGCAGTCTTTGTTTGTTAATGAGTAATTTTTCTCTATTTCATATTTAAC[C>T]ACAGTTCTTTTCCCGTAGGCTGATCCTTATTCAAAATGGGCCATTCTTAATGTAATGGGA-3'

ClinVar aggregate classification (germline): Likely benign. Review status: criteria provided, multiple submitters, no conflicts (2 of 4 stars). 2 submissions from 2 submitters: Likely benign (2). Last evaluated 2026-01-26.

Conditions:
Familial cancer of breast. Also called: Hereditary breast cancer; hereditary breast carcinoma; BREAST CANCER, FAMILIAL. Identifiers: Orphanet 227535, MedGen C0346153, MONDO:0016419, OMIM 114480. Disease mechanism: loss of function.
Ataxia-telangiectasia syndrome (AT). Also called: LOUIS-BAR SYNDROME; AT, COMPLEMENTATION GROUP C; Ataxia-telangiectasia, complementation group E; Ataxia telangiectasia (A-T); ATAXIA-TELANGIECTASIA, COMPLEMENTATION GROUP A; ATAXIA-TELANGIECTASIA, FRESNO VARIANT. Identifiers: Orphanet 100, MedGen C0004135, MONDO:0008840, OMIM 208900.

Submissions (2):

Labcorp Genetics (formerly Invitae), Labcorp
Classification: Likely benign for Ataxia-telangiectasia syndrome. Last evaluated: 2026-01-26. Review status: criteria provided, single submitter. Criteria: Invitae Variant Classification Sherloc (09022015). Collection method: clinical testing. Allele origin: germline.

Myriad Genetics, Inc.
Classification: Likely benign for Familial cancer of breast. Last evaluated: 2024-05-13. Review status: criteria provided, single submitter. Criteria: Myriad Autosomal Dominant, Autosomal Recessive and X-Linked Classification Criteria (2023). Collection method: clinical testing. Allele origin: unknown.
Comment: This variant is considered likely benign. This variant is intronic and is not expected to impact mRNA splicing.